The following is an entry in ClinVar:

ClinVar aggregate classification (germline): Uncertain significance (1 of 4 stars; one submission).

Submission:

GeneDx
Classification: Uncertain significance. Last evaluated: 2023-03-08. Review status: criteria provided, single submitter. Criteria: GeneDx Variant Classification Process June 2021. Collection method: clinical testing. Allele origin: germline. Affected: yes.
Comment: Not observed at significant frequency in large population cohorts (gnomAD); In silico analysis supports that this missense variant does not alter protein structure/function; Has not been previously published as pathogenic or benign to our knowledge; This variant is associated with the following publications: (PMID: 22253258, 19343043)

NM_000152.5(GAA):c.1252A>G (p.Lys418Glu)

Gene: GAA (alpha glucosidase; plus strand). Cytogenetic location: 17q25.3.
Variant type: single nucleotide variant.
Coding change: c.1252A>G on transcript NM_000152.5 (MANE Select); coding-DNA position 1252, A replaced by G.
Protein change: p.Lys418Glu; replaces lysine 418 with glutamic acid.
Molecular consequence: missense variant.
Genome position (GRCh38, 1-based): chr17:80,108,754, A>G. VCF-style: chr17-80108754-A-G. GRCh37 (hg19) VCF-style: chr17-78082553-A-G.
Other names: c.1252A>G, p.Lys418Glu (NM_001079803.3, NM_001079804.3, NM_001406741.1 and 1 more transcripts); short protein forms K418E.
Identifiers: ClinVar variation 2579324 (VCV002579324.1), dbSNP rs2510364747, ClinGen allele CA401365280.